The following is an entry in ClinVar:

ClinVar aggregate classification (germline): Benign/Likely benign. Review status: criteria provided, multiple submitters, no conflicts (2 of 4 stars). 9 submissions from 9 submitters: Benign (8); Likely benign (1). Last evaluated 2026-02-03.

Conditions:
Thrombocytopenia 2 (THC2). Also called: ANKRD26-Related Thrombocytopenia. Identifiers: Orphanet 268322, MedGen C1861185, MONDO:0008555, OMIM 188000.

Allele frequency attached by ClinVar (database versions not stated): TOPMed 0.08943; gnomAD exomes 0.09166 and 0.11336; gnomAD 0.09308 and 0.08792; ExAC 0.11275; 1000 Genomes Project 30x 0.13695; 1000 Genomes Project 0.14217; ESP Exome Variant Server 0.07950.
gnomAD v4.1: 148,243 of 1,607,462 alleles (9.2%); highest among the groups gnomAD compares: East Asian, 27%; 8,403 homozygotes.

Submissions (9):

Labcorp Genetics (formerly Invitae), Labcorp
Classification: Benign. Last evaluated: 2026-02-03. Review status: criteria provided, single submitter. Criteria: Invitae Variant Classification Sherloc (09022015). Collection method: clinical testing. Allele origin: germline.

ARUP Laboratories, Molecular Genetics and Genomics, ARUP Laboratories
Classification: Benign for Thrombocytopenia 2. Last evaluated: 2025-07-28. Review status: criteria provided, single submitter. Criteria: ARUP Molecular Germline Variant Investigation Process 2024. Collection method: clinical testing. Allele origin: germline.

Blueprint Genetics
Classification: Likely benign. Last evaluated: 2024-11-27. Review status: criteria provided, single submitter. Criteria: ACMG Guidelines, 2015. Collection method: clinical testing. Allele origin: germline.

Mayo Clinic Laboratories, Mayo Clinic
Classification: Benign. Last evaluated: 2022-10-21. Review status: criteria provided, single submitter. Criteria: ACMG Guidelines, 2015. Collection method: clinical testing. Allele origin: germline. Observed: 205 variant alleles.

Genome-Nilou Lab
Classification: Benign for Thrombocytopenia 2. Last evaluated: 2021-12-05. Review status: criteria provided, single submitter. Criteria: ACMG Guidelines, 2015. Collection method: clinical testing. Allele origin: germline. Affected: no.

GeneDx
Classification: Benign. Last evaluated: 2018-11-10. Review status: criteria provided, single submitter. Criteria: GeneDx Variant Classification Process June 2021. Collection method: clinical testing. Allele origin: germline. Affected: yes.

Illumina Laboratory Services, Illumina
Classification: Benign for Thrombocytopenia 2. Last evaluated: 2018-01-13. Review status: criteria provided, single submitter. Criteria: ICSL Variant Classification Criteria 13 December 2019. Collection method: clinical testing. Allele origin: germline.
Comment: This variant was observed in the ICSL laboratory as part of a predisposition screen in an ostensibly healthy population. It had not been previously curated by ICSL or reported in the Human Gene Mutation Database (HGMD: prior to June 1st, 2018), and was therefore a candidate for classification through an automated scoring system. Utilizing variant allele frequency, disease prevalence and penetrance estimates, and inheritance mode, an automated score was calculated to assess if this variant is too frequent to cause the disease. Based on the score and internal cut-off values, a variant classified as benign is not then subjected to further curation. The score for this variant resulted in a classification of benign for this disease.

Breakthrough Genomics
Classification: Benign. Review status: criteria provided, single submitter. Criteria: ACMG Guidelines, 2015. Collection method: not provided. Allele origin: germline. Inheritance: Autosomal dominant inheritance. Affected: yes.

PreventionGenetics, part of Exact Sciences
Classification: Benign. Review status: criteria provided, single submitter. Criteria: ACMG Guidelines, 2015. Collection method: clinical testing. Allele origin: germline.

NM_014915.3(ANKRD26):c.3972+3A>G

Gene: ANKRD26 (ankyrin repeat domain 26; minus strand). Cytogenetic location: 10p12.1.
Variant type: single nucleotide variant.
Coding change: c.3972+3A>G on transcript NM_014915.3 (MANE Select); 3 bases into the intron after coding-DNA position 3972, A replaced by G.
Molecular consequence: intron variant.
Genome position (GRCh38, 1-based): chr10:27,028,849, T>C on the plus strand (A>G on the coding strand, the complement: ANKRD26 is on the minus strand). VCF-style: chr10-27028849-T-C. GRCh37 (hg19) VCF-style: chr10-27317778-T-C.
Other names: p.?; c.3969+3A>G (NM_001256053.2).
Identifiers: ClinVar variation 260468 (VCV000260468.25), dbSNP rs72807627, ClinGen allele CA5447894.